The following is an entry in ClinVar:

NM_001102564.3(IFT43):c.526T>C (p.Trp176Arg)

Gene: IFT43 (intraflagellar transport 43; plus strand). Cytogenetic location: 14q24.3.
Variant type: single nucleotide variant.
Coding change: c.526T>C on transcript NM_001102564.3 (MANE Select); coding-DNA position 526, T replaced by C.
Protein change: p.Trp176Arg; replaces tryptophan 176 with arginine.
Molecular consequence: missense variant. On other transcripts: non-coding transcript variant (2).
Genome position (GRCh38, 1-based): chr14:76,083,476, T>C. VCF-style: chr14-76083476-T-C. GRCh37 (hg19) VCF-style: chr14-76549819-T-C.
Other names: c.541T>C, p.Trp181Arg (NM_052873.3); short protein forms W176R, W181R.
Identifiers: ClinVar variation 2015140 (VCV002015140.4), dbSNP rs1267740379, ClinGen allele CA390474685.

ClinVar aggregate classification (germline): Uncertain significance (1 of 4 stars; one submission).

Allele frequency attached by ClinVar (database versions not stated): gnomAD exomes below 0.00001; TOPMed 0.00001.
gnomAD v4.1: 4 of 1,614,192 alleles (0.00025%); highest among the groups gnomAD compares: Non-Finnish European, 0.00034%; no homozygotes.

Submission:

Labcorp Genetics (formerly Invitae), Labcorp
Classification: Uncertain significance. Last evaluated: 2022-07-20. Review status: criteria provided, single submitter. Criteria: Invitae Variant Classification Sherloc (09022015). Collection method: clinical testing. Allele origin: germline.
Comment: In summary, the available evidence is currently insufficient to determine the role of this variant in disease. Therefore, it has been classified as a Variant of Uncertain Significance. Algorithms developed to predict the effect of missense changes on protein structure and function (SIFT, PolyPhen-2, Align-GVGD) all suggest that this variant is likely to be disruptive. This variant has not been reported in the literature in individuals affected with IFT43-related conditions. The frequency data for this variant in the population databases is considered unreliable, as metrics indicate poor data quality at this position in the gnomAD database. This sequence change replaces tryptophan, which is neutral and slightly polar, with arginine, which is basic and polar, at codon 181 of the IFT43 protein (p.Trp181Arg).